The following is an entry in ClinVar:

NM_001367624.2(ZNF469):c.11008G>A (p.Ala3670Thr)

Gene: ZNF469 (zinc finger protein 469; plus strand). Cytogenetic location: 16q24.2.
Variant type: single nucleotide variant.
Coding change: c.11008G>A on transcript NM_001367624.2 (MANE Select); coding-DNA position 11008, G replaced by A.
Protein change: p.Ala3670Thr; replaces alanine 3670 with threonine.
Molecular consequence: missense variant.
Genome position (GRCh38, 1-based): chr16:88,438,478, G>A. VCF-style: chr16-88438478-G-A. GRCh37 (hg19) VCF-style: chr16-88504886-G-A.
Other names: NM_001127464.1:c.10924G>A; short protein forms A3670T.
Identifiers: ClinVar variation 1464913 (VCV001464913.5), dbSNP rs527970445, ClinGen allele CA286387495.

ClinVar aggregate classification (germline): Conflicting classifications of pathogenicity. Review status: criteria provided, conflicting classifications (1 of 4 stars). 3 submissions from 3 submitters: Uncertain significance (2); Likely benign (1). Last evaluated 2026-05-18.

Conditions:
Cardiovascular phenotype. Identifiers: MedGen CN230736.

Allele frequency attached by ClinVar (database versions not stated): gnomAD 0.00001 and 0.00003; gnomAD exomes 0.00001; TOPMed 0.00002; 1000 Genomes Project 0.00040; 1000 Genomes Project 30x 0.00062.
gnomAD v4.1: 18 of 1,550,084 alleles (0.0012%); highest among the groups gnomAD compares: South Asian, 0.0059%; no homozygotes.

Submissions (3):

Women's Health and Genetics/Laboratory Corporation of America, LabCorp
Classification: Uncertain significance. Last evaluated: 2026-05-18. Review status: criteria provided, single submitter. Criteria: LabCorp Variant Classification Summary - May 2015. Collection method: clinical testing. Allele origin: germline.
Comment: Variant summary: ZNF469 c.11008G>A (p.Ala3670Thr) results in a non-conservative amino acid change in the encoded protein sequence. Algorithms developed to predict the effect of missense changes on protein structure and function are either unavailable or do not agree on the potential impact of this missense change. The variant allele was found at a frequency of 1.4e-05 in 146816 control chromosomes. The available data on variant occurrences in the general population are insufficient to allow any conclusion about variant significance. To our knowledge, no occurrence of c.11008G>A in individuals affected with ZNF469-related conditions and no experimental evidence demonstrating its impact on protein function have been reported. ClinVar contains an entry for this variant (Variation ID: 1464913). Based on the evidence outlined above, the variant was classified as uncertain significance.

Ambry Genetics
Classification: Likely benign for Cardiovascular phenotype. Last evaluated: 2024-08-21. Review status: criteria provided, single submitter. Criteria: Ambry Variant Classification Scheme 2023. Collection method: clinical testing. Allele origin: germline.

Labcorp Genetics (formerly Invitae), Labcorp
Classification: Uncertain significance. Last evaluated: 2021-08-31. Review status: criteria provided, single submitter. Criteria: Invitae Variant Classification Sherloc (09022015). Collection method: clinical testing. Allele origin: germline.
Comment: This sequence change replaces alanine with threonine at codon 3642 of the ZNF469 protein (p.Ala3642Thr). The alanine residue is weakly conserved and there is a small physicochemical difference between alanine and threonine. The frequency data for this variant in the population databases is considered unreliable, as metrics indicate insufficient coverage at this position in the ExAC database. This variant has not been reported in the literature in individuals affected with ZNF469-related conditions. Algorithms developed to predict the effect of missense changes on protein structure and function output the following: SIFT: "Tolerated"; PolyPhen-2: "Benign"; Align-GVGD: "Class C0". The threonine amino acid residue is found in multiple mammalian species, which suggests that this missense change does not adversely affect protein function. In summary, the available evidence is currently insufficient to determine the role of this variant in disease. Therefore, it has been classified as a Variant of Uncertain Significance.